The following is an entry in ClinVar:

NM_001354604.2(MITF):c.458A>G (p.Asn153Ser)

Gene: MITF (melanocyte inducing transcription factor; plus strand). Cytogenetic location: 3p13.
Variant type: single nucleotide variant.
Coding change: c.458A>G on transcript NM_001354604.2 (MANE Select); coding-DNA position 458, A replaced by G.
Protein change: p.Asn153Ser; replaces asparagine 153 with serine.
Molecular consequence: missense variant. On other transcripts: intron variant (1).
Genome position (GRCh38, 1-based): chr3:69,937,925, A>G. VCF-style: chr3-69937925-A-G. GRCh37 (hg19) VCF-style: chr3-69987076-A-G.
Other names: c.137A>G, p.Asn46Ser (NM_000248.4, NM_001184968.2, NM_198158.3); c.302A>G, p.Asn101Ser (NM_001184967.2, NM_001354608.2); c.455A>G, p.Asn152Ser (NM_001354605.2, NM_001354606.2, NM_006722.3); c.407A>G, p.Asn136Ser (NM_001354607.2); c.458A>G, p.Asn153Ser (NM_198159.3); c.410A>G, p.Asn137Ser (NM_198177.3); c.93+44A>G (NM_198178.3); short protein forms N137S, N46S, N101S, N136S, N153S, N152S.
Identifiers: ClinVar variation 3873252 (VCV003873252.1).
Genomic context (GRCh38, chr3:69,937,925, plus strand): 5'-AAGCCCAACGGCAGCAGGTAAAGCAGTACCTTTCTACCACTTTAGCAAATAAACATGCCA[A>G]CCAAGTCCTGAGCTTGCCATGTCCAAACCAGCCTGGCGATCATGTCATGCCACCGGTGCC-3'
Protein context (NP_001341533.1, residues 143-163): LSTTLANKHA[Asn153Ser]QVLSLPCPNQ

ClinVar aggregate classification (germline): Uncertain significance (1 of 4 stars; one submission).

Conditions:
Hereditary cancer-predisposing syndrome. Also called: Tumor predisposition; Neoplastic Syndromes, Hereditary; Hereditary Cancer Syndrome; Hereditary neoplastic syndrome. Identifiers: Orphanet 140162, MedGen C0027672, MeSH D009386, MONDO:0015356.

gnomAD v4.1: 1 of 1,614,094 alleles (0.000062%); no homozygotes.

Submission:

Ambry Genetics
Classification: Uncertain significance for Hereditary cancer-predisposing syndrome. Last evaluated: 2025-02-20. Review status: criteria provided, single submitter. Criteria: Ambry Variant Classification Scheme 2023. Collection method: clinical testing. Allele origin: germline.
Comment: The p.N46S variant (also known as c.137A>G), located in coding exon 2 of the MITF gene, results from an A to G substitution at nucleotide position 137. The asparagine at codon 46 is replaced by serine, an amino acid with highly similar properties. This amino acid position is conserved. In addition, this alteration is predicted to be tolerated by in silico analysis. Based on the available evidence, the clinical significance of this variant remains unclear.